The following is an entry in ClinVar:

ClinVar aggregate classification (germline): Conflicting classifications of pathogenicity. Review status: criteria provided, conflicting classifications (1 of 4 stars). 6 submissions from 5 submitters: Uncertain significance (1); Likely benign (5). Last evaluated 2026-08-01.

Conditions:
Inborn genetic diseases. Identifiers: MedGen C0950123, MeSH D030342.
Amyotrophic lateral sclerosis type 12 (ALS12). Also called: AMYOTROPHIC LATERAL SCLEROSIS 12 WITH OR WITHOUT FRONTOTEMPORAL DEMENTIA. Identifiers: Orphanet 803, MedGen C3150692, MONDO:0013264, OMIM 613435.
Glaucoma 1, open angle, E. Identifiers: MedGen C1842026, MONDO:0007665.
Primary open angle glaucoma (POAG). Also called: OPTN-related open angle glaucoma. Identifiers: MedGen C0339573, MONDO:0100553, OMIM 137760.
OPTN-related disorder. Also called: OPTN-related condition; OPTN-related disorders.

Allele frequency attached by ClinVar (database versions not stated): gnomAD exomes 0.00001 and 0.00002; ExAC 0.00002; gnomAD 0.00002 and 0.00003; TOPMed 0.00002.
gnomAD v4.1: 36 of 1,614,006 alleles (0.0022%); highest among the groups gnomAD compares: African/African-American, 0.0027%; no homozygotes.

Submissions (6):

CeGaT Center for Human Genetics Tuebingen
Classification: Likely benign. Last evaluated: 2026-08-01. Review status: criteria provided, single submitter. Criteria: CeGaT Center For Human Genetics Tuebingen Variant Classification Criteria Version 2. Collection method: clinical testing. Allele origin: germline. Affected: yes. Observed: 1 variant allele.
Comment: OPTN: BP4, BP7

PreventionGenetics, part of Exact Sciences
Classification: Likely benign for OPTN-related condition. Last evaluated: 2026-05-14. Review status: criteria provided, single submitter. Criteria: ACMG Guidelines, 2015. Collection method: clinical testing. Allele origin: germline.
Comment: This variant is classified as likely benign based on ACMG/AMP sequence variant interpretation guidelines (Richards et al. 2015 PMID: 25741868, with internal and published modifications).

Labcorp Genetics (formerly Invitae), Labcorp
Classification: Likely benign for Primary open angle glaucoma; Glaucoma 1, open angle, E; Amyotrophic lateral sclerosis type 12. Last evaluated: 2025-04-10. Review status: criteria provided, single submitter. Criteria: Invitae Variant Classification Sherloc (09022015). Collection method: clinical testing. Allele origin: germline.

Ambry Genetics
Classification: Likely benign for Inborn genetic diseases. Last evaluated: 2019-07-11. Review status: criteria provided, single submitter. Criteria: Ambry Variant Classification Scheme 2023. Collection method: clinical testing. Allele origin: germline.

Illumina Laboratory Services, Illumina
Classification: Likely benign for Primary open angle glaucoma. Last evaluated: 2018-01-12. Review status: criteria provided, single submitter. Criteria: ICSL Variant Classification Criteria 13 December 2019. Collection method: clinical testing. Allele origin: germline.
Comment: This variant was observed in the ICSL laboratory as part of a predisposition screen in an ostensibly healthy population. It had not been previously curated by ICSL or reported in the Human Gene Mutation Database (HGMD: prior to June 1st, 2018), and was therefore a candidate for classification through an automated scoring system. Utilizing variant allele frequency, disease prevalence and penetrance estimates, and inheritance mode, an automated score was calculated to assess if this variant is too frequent to cause the disease. Based on the score and internal cut-off values, a variant classified as likely benign is not then subjected to further curation. The score for this variant resulted in a classification of likely benign for this disease.

Illumina Laboratory Services, Illumina
Classification: Uncertain significance for Amyotrophic lateral sclerosis type 12. Last evaluated: 2018-01-12. Review status: criteria provided, single submitter. Criteria: ICSL Variant Classification Criteria 13 December 2019. Collection method: clinical testing. Allele origin: germline.

NM_001008212.2(OPTN):c.1569G>A (p.Ala523=)

Gene: OPTN (optineurin; plus strand). Cytogenetic location: 10p13.
Variant type: single nucleotide variant.
Coding change: c.1569G>A on transcript NM_001008212.2 (MANE Select); coding-DNA position 1569, G replaced by A.
Protein change: p.Ala523=; no amino-acid change (alanine 523 retained).
Molecular consequence: synonymous variant.
Genome position (GRCh38, 1-based): chr10:13,133,538, G>A. VCF-style: chr10-13133538-G-A. GRCh37 (hg19) VCF-style: chr10-13175538-G-A.
Other names: c.1569G>A, p.Ala523= (NM_001008211.1, NM_001008213.1, NM_021980.4).
Identifiers: ClinVar variation 299222 (VCV000299222.13), dbSNP rs771316696, ClinGen allele CA5411021.